The following is an entry in ClinVar:

ClinVar aggregate classification (germline): Uncertain significance (1 of 4 stars; one submission).

Allele frequency attached by ClinVar (database versions not stated): gnomAD exomes below 0.00001; TOPMed below 0.00001.

Submission:

Ambry Genetics
Classification: Uncertain significance. Last evaluated: 2024-11-15. Review status: criteria provided, single submitter. Criteria: Ambry Variant Classification Scheme 2023. Collection method: clinical testing. Allele origin: germline.
Comment: The p.G76S variant (also known as c.226G>A), located in coding exon 1 of the TERF2IP gene, results from a G to A substitution at nucleotide position 226. The glycine at codon 76 is replaced by serine, an amino acid with similar properties. This amino acid position is conserved. In addition, the in silico prediction for this alteration is inconclusive. Since supporting evidence is limited at this time, the clinical significance of this alteration remains unclear.

NM_018975.4(TERF2IP):c.226G>A (p.Gly76Ser)

Gene: TERF2IP (TERF2 interacting protein; plus strand). Cytogenetic location: 16q23.1.
Variant type: single nucleotide variant.
Coding change: c.226G>A on transcript NM_018975.4 (MANE Select); coding-DNA position 226, G replaced by A.
Protein change: p.Gly76Ser; replaces glycine 76 with serine.
Molecular consequence: missense variant. On other transcripts: non-coding transcript variant (1).
Genome position (GRCh38, 1-based): chr16:75,648,108, G>A. VCF-style: chr16-75648108-G-A. GRCh37 (hg19) VCF-style: chr16-75682006-G-A.
Other names: short protein forms G76S.
Identifiers: ClinVar variation 1788759 (VCV001788759.3), dbSNP rs1169511520, ClinGen allele CA396817472.